The following is an entry in ClinVar:

NM_006030.4(CACNA2D2):c.1908C>T (p.Ser636=)

Gene: CACNA2D2 (calcium voltage-gated channel auxiliary subunit alpha2delta 2; minus strand). Cytogenetic location: 3p21.31.
Variant type: single nucleotide variant.
Coding change: c.1908C>T on transcript NM_006030.4 (MANE Select); coding-DNA position 1908, C replaced by T.
Protein change: p.Ser636=; no amino-acid change (serine 636 retained).
Molecular consequence: synonymous variant.
Genome position (GRCh38, 1-based): chr3:50,374,813, G>A on the plus strand (C>T on the coding strand, the complement: CACNA2D2 is on the minus strand). VCF-style: chr3-50374813-G-A. GRCh37 (hg19) VCF-style: chr3-50412244-G-A.
Other names: c.1908C>T, p.Ser636= (NM_001174051.3, NM_001005505.3); c.1701C>T, p.Ser567= (NM_001291101.1).
Identifiers: ClinVar variation 1484044 (VCV001484044.7), dbSNP rs1235205217, ClinGen allele CA433691724.

ClinVar aggregate classification (germline): Uncertain significance (1 of 4 stars; one submission).

Conditions:
Early-infantile DEE. Also called: Early infantile epileptic encephalopathy with suppression bursts; Early infantile epileptic encephalopathy; Ohtahara syndrome. Identifiers: Orphanet 1934, MedGen C0393706, MONDO:0800491.

Submission:

Labcorp Genetics (formerly Invitae), Labcorp
Classification: Uncertain significance for Early-infantile DEE. Last evaluated: 2021-10-24. Review status: criteria provided, single submitter. Criteria: Invitae Variant Classification Sherloc (09022015). Collection method: clinical testing. Allele origin: germline.
Comment: In summary, the available evidence is currently insufficient to determine the role of this variant in disease. Therefore, it has been classified as a Variant of Uncertain Significance. Algorithms developed to predict the effect of sequence changes on RNA splicing suggest that this variant is not likely to affect RNA splicing. This variant has not been reported in the literature in individuals affected with CACNA2D2-related conditions. This variant is not present in population databases (gnomAD no frequency). This sequence change affects codon 636 of the CACNA2D2 mRNA. It is a 'silent' change, meaning that it does not change the encoded amino acid sequence of the CACNA2D2 protein. It affects a nucleotide within the consensus splice site.